The following is an entry in ClinVar:

ClinVar aggregate classification (germline): Uncertain significance (1 of 4 stars; one submission).

Conditions:
Ataxia-telangiectasia syndrome (AT). Also called: ATAXIA-TELANGIECTASIA, COMPLEMENTATION GROUP A; ATAXIA-TELANGIECTASIA, FRESNO VARIANT; Ataxia-telangiectasia; Ataxia-telangiectasia, complementation group D; AT, COMPLEMENTATION GROUP C; Ataxia-telangiectasia, complementation group E. Identifiers: Orphanet 100, MedGen C0004135, MONDO:0008840, OMIM 208900.

gnomAD v4.1: 1 of 1,612,672 alleles (0.000062%); highest among the groups gnomAD compares: Non-Finnish European, 0.000085%; no homozygotes.

Submission:

Labcorp Genetics (formerly Invitae), Labcorp
Classification: Uncertain significance for Ataxia-telangiectasia syndrome. Last evaluated: 2020-01-11. Review status: criteria provided, single submitter. Criteria: Invitae Variant Classification Sherloc (09022015). Collection method: clinical testing. Allele origin: germline.
Comment: In summary, the available evidence is currently insufficient to determine the role of this variant in disease. Therefore, it has been classified as a Variant of Uncertain Significance. Algorithms developed to predict the effect of missense changes on protein structure and function (SIFT, PolyPhen-2, Align-GVGD) all suggest that this variant is likely to be tolerated, but these predictions have not been confirmed by published functional studies and their clinical significance is uncertain. This variant has not been reported in the literature in individuals with ATM-related conditions. This variant is not present in population databases (ExAC no frequency). This sequence change replaces leucine with valine at codon 2132 of the ATM protein (p.Leu2132Val). The leucine residue is moderately conserved and there is a small physicochemical difference between leucine and valine.

NM_000051.4(ATM):c.6394C>G (p.Leu2132Val)

Genes: ATM (ATM serine/threonine kinase; plus strand), C11orf65 (chromosome 11 open reading frame 65; minus strand). Cytogenetic location: 11q22.3.
Variant type: single nucleotide variant.
Coding change: c.6394C>G on transcript NM_000051.4 (MANE Select); coding-DNA position 6394, C replaced by G.
Protein change: p.Leu2132Val; replaces leucine 2132 with valine.
Molecular consequence: missense variant. On other transcripts: intron variant (2).
Genome position (GRCh38, 1-based): chr11:108,320,000, C>G. VCF-style: chr11-108320000-C-G. GRCh37 (hg19) VCF-style: chr11-108190727-C-G.
Other names: c.6394C>G, p.Leu2132Val (NM_001351834.2); c.641-10929G>C (NM_001330368.2); c.*39-10929G>C (NM_001351110.2); short protein forms L2132V.
Identifiers: ClinVar variation 857590 (VCV000857590.10), dbSNP rs551408889, ClinGen allele CA382553348.